The following is an entry in ClinVar:

ClinVar aggregate classification (germline): Uncertain significance (1 of 4 stars; one submission).

Submission:

GeneDx
Classification: Uncertain significance. Last evaluated: 2022-07-25. Review status: criteria provided, single submitter. Criteria: GeneDx Variant Classification Process June 2021. Collection method: clinical testing. Allele origin: germline. Affected: yes.
Comment: Not observed at significant frequency in large population cohorts (gnomAD); In silico analysis supports a deleterious effect on protein structure/function; Has not been previously published as pathogenic or benign to our knowledge

NM_001367873.1(SOX6):c.46_47delinsTT (p.Gly16Leu)

Gene: SOX6 (SRY-box transcription factor 6; minus strand). Cytogenetic location: 11p15.2.
Variant type: Indel.
Coding change: c.46_47delinsTT on transcript NM_001367873.1 (MANE Select); coding-DNA positions 46 to 47, GG replaced by TT.
Protein change: p.Gly16Leu; replaces glycine 16 with leucine.
Molecular consequence: missense variant.
Genome position (GRCh38, 1-based): chr11:16,341,202-16,341,203, CC replaced by AA on the plus strand (GG replaced by TT on the coding strand, the reverse complement: SOX6 is on the minus strand). VCF-style: chr11-16341202-CC-AA. GRCh37 (hg19) VCF-style: chr11-16362748-CC-AA.
Other names: c.46_47delinsTT, p.Gly16Leu (NM_001145811.2, NM_001145819.2, NM_001367872.1 and 2 more transcripts); short protein forms G16L.
Identifiers: ClinVar variation 2413096 (VCV002413096.3), dbSNP rs2494226145, ClinGen allele CA2580082720.